The following is an entry in ClinVar:

NM_000135.4(FANCA):c.3077C>T (p.Ala1026Val)

Gene: FANCA (FA complementation group A; minus strand). Cytogenetic location: 16q24.3.
Variant type: single nucleotide variant.
Coding change: c.3077C>T on transcript NM_000135.4 (MANE Select); coding-DNA position 3077, C replaced by T.
Protein change: p.Ala1026Val; replaces alanine 1026 with valine.
Molecular consequence: missense variant.
Genome position (GRCh38, 1-based): chr16:89,749,892, G>A on the plus strand (C>T on the coding strand, the complement: FANCA is on the minus strand). VCF-style: chr16-89749892-G-A. GRCh37 (hg19) VCF-style: chr16-89816300-G-A.
Other names: c.3077C>T, p.Ala1026Val (NM_001286167.3); short protein forms A1026V.
Identifiers: ClinVar variation 1442343 (VCV001442343.6), dbSNP rs545999415, ClinGen allele CA8251338.
Genomic context (GRCh38, chr16:89,749,892, plus strand): 5'-TGCTCCTGGGAAGGGGTGTGGCCGAGAGGCACTATGAGGTCTTGCTGCAGCTCCAGGTCA[G>A]CTACCATCTCCTGAAAAAGAGCAGTATGCTGGCACAGGAAGGCCTCGGGGCTCACTGCCC-3'
Protein context (NP_000126.2, residues 1016-1036): DIISRLQEMV[Ala1026Val]DLELQQDLIV

ClinVar aggregate classification (germline): Uncertain significance (1 of 4 stars; one submission).

Conditions:
Fanconi anemia (FA). Also called: Fanconi's anemia. Identifiers: Orphanet 84, MedGen C0015625, MeSH D005199, MONDO:0019391.

Allele frequency attached by ClinVar (database versions not stated): TOPMed below 0.00001; gnomAD 0.00001; gnomAD exomes 0.00001; ExAC 0.00003; 1000 Genomes Project 0.00020; 1000 Genomes Project 30x 0.00031.
gnomAD v4.1: 1 of 1,614,078 alleles (0.000062%); highest among the groups gnomAD compares: East Asian, 0.0022%; no homozygotes.

Submission:

Labcorp Genetics (formerly Invitae), Labcorp
Classification: Uncertain significance for Fanconi anemia. Last evaluated: 2025-12-30. Review status: criteria provided, single submitter. Criteria: Invitae Variant Classification Sherloc (09022015). Collection method: clinical testing. Allele origin: germline.
Comment: This sequence change replaces alanine, which is neutral and non-polar, with valine, which is neutral and non-polar, at codon 1026 of the FANCA protein (p.Ala1026Val). This variant is present in population databases (rs545999415, gnomAD 0.02%). This variant has not been reported in the literature in individuals affected with FANCA-related conditions. ClinVar contains an entry for this variant (Variation ID: 1442343). Invitae Evidence Modeling of protein sequence and biophysical properties (such as structural, functional, and spatial information, amino acid conservation, physicochemical variation, residue mobility, and thermodynamic stability) indicates that this missense variant is not expected to disrupt FANCA protein function with a negative predictive value of 95%. In summary, the available evidence is currently insufficient to determine the role of this variant in disease. Therefore, it has been classified as a Variant of Uncertain Significance.